The following is an entry in ClinVar:

ClinVar aggregate classification (germline): Uncertain significance (1 of 4 stars; one submission).

Conditions:
Inborn genetic diseases. Identifiers: MedGen C0950123, MeSH D030342.

gnomAD v4.1: 7 of 1,613,680 alleles (0.00043%); highest among the groups gnomAD compares: South Asian, 0.0022%; no homozygotes.

Submission:

Ambry Genetics
Classification: Uncertain significance for Inborn genetic diseases. Last evaluated: 2025-02-27. Review status: criteria provided, single submitter. Criteria: Ambry Variant Classification Scheme 2023. Collection method: clinical testing. Allele origin: germline.
Comment: The p.R264C variant (also known as c.790C>T), located in coding exon 5 of the ETV6 gene, results from a C to T substitution at nucleotide position 790. The arginine at codon 264 is replaced by cysteine, an amino acid with highly dissimilar properties. This variant was reported as germline in a patient with acute myeloid leukemia (AML) (Guijarro F et al. Blood Adv, 2023 Oct;7:5799-5811). This amino acid position is highly conserved in available vertebrate species. In addition, the in silico prediction for this alteration is inconclusive. Based on the available evidence, the clinical significance of this variant remains unclear.

Literature cited by the submitters: PubMed 37450374.

NM_001987.5(ETV6):c.790C>T (p.Arg264Cys)

Gene: ETV6 (ETS variant transcription factor 6; plus strand). Cytogenetic location: 12p13.2.
Variant type: single nucleotide variant.
Coding change: c.790C>T on transcript NM_001987.5 (MANE Select); coding-DNA position 790, C replaced by T.
Protein change: p.Arg264Cys; replaces arginine 264 with cysteine.
Molecular consequence: missense variant.
Genome position (GRCh38, 1-based): chr12:11,869,750, C>T. VCF-style: chr12-11869750-C-T. GRCh37 (hg19) VCF-style: chr12-12022684-C-T.
Other names: c.787C>T, p.Arg263Cys (NM_001413913.1); c.763C>T, p.Arg255Cys (NM_001413914.1); c.526C>T, p.Arg176Cys (NM_001413915.1); c.790C>T, p.Arg264Cys (NM_001413916.1, NM_001413917.1); short protein forms R176C, R264C, R255C, R263C.
Identifiers: ClinVar variation 3846525 (VCV003846525.1).